The following is an entry in ClinVar:

ClinVar aggregate classification (germline): Likely benign (1 of 4 stars; one submission).

Conditions:
SCLT1-related disorder. Also called: SCLT1-related condition.

gnomAD v4.1: 1 of 1,599,792 alleles (0.000063%); highest among the groups gnomAD compares: Non-Finnish European, 0.000085%; no homozygotes.

Submission:

PreventionGenetics, part of Exact Sciences
Classification: Likely benign for SCLT1-related condition. Last evaluated: 2026-06-23. Review status: criteria provided, single submitter. Criteria: ACMG Guidelines, 2015. Collection method: clinical testing. Allele origin: germline.
Comment: This variant is classified as likely benign based on ACMG/AMP sequence variant interpretation guidelines (Richards et al. 2015 PMID: 25741868, with internal and published modifications).

NM_144643.4(SCLT1):c.1116A>T (p.Val372=)

Gene: SCLT1 (sodium channel and clathrin linker 1; minus strand). Cytogenetic location: 4q28.2.
Variant type: single nucleotide variant.
Coding change: c.1116A>T on transcript NM_144643.4 (MANE Select); coding-DNA position 1116, A replaced by T.
Protein change: p.Val372=; no amino-acid change (valine 372 retained).
Molecular consequence: synonymous variant.
Genome position (GRCh38, 1-based): chr4:128,957,056, T>A on the plus strand (A>T on the coding strand, the complement: SCLT1 is on the minus strand). VCF-style: chr4-128957056-T-A. GRCh37 (hg19) VCF-style: chr4-129878211-T-A.
Other names: c.1116A>T, p.Val372= (NM_001410807.1).
Identifiers: ClinVar variation 4995231 (VCV004995231.1).